The following is an entry in ClinVar:

NM_018122.5(DARS2):c.1065del (p.Leu356fs)

Gene: DARS2 (aspartyl-tRNA synthetase 2, mitochondrial; plus strand). Cytogenetic location: 1q25.1.
Variant type: Deletion.
Coding change: c.1065del on transcript NM_018122.5 (MANE Select); coding-DNA position 1065, one base deleted (T; older notation c.1065delT).
Protein change: p.Leu356fs; shifts the reading frame from leucine 356.
Molecular consequence: frameshift variant.
Genome position (GRCh38, 1-based): chr1:173,840,910, T deleted; the last of 3 consecutive T bases (chr1:173,840,908-173,840,910); deleting any one gives the same sequence. VCF-style (leftmost placement, unchanged base first): chr1-173840907-AT-A. GRCh37 (hg19) VCF-style: chr1-173810045-AT-A.
Other names: c.1065del, p.Leu356fs (NM_001365212.1, NM_001365213.2); short protein forms L356fs.
Identifiers: ClinVar variation 2819918 (VCV002819918.3), dbSNP rs1653178441, ClinGen allele CA1207906326.

ClinVar aggregate classification (germline): Pathogenic (1 of 4 stars; one submission).

Submission:

Labcorp Genetics (formerly Invitae), Labcorp
Classification: Pathogenic. Last evaluated: 2024-11-04. Review status: criteria provided, single submitter. Criteria: Invitae Variant Classification Sherloc (09022015). Collection method: clinical testing. Allele origin: germline.
Comment: This sequence change creates a premature translational stop signal (p.Leu356Phefs*12) in the DARS2 gene. It is expected to result in an absent or disrupted protein product. Loss-of-function variants in DARS2 are known to be pathogenic (PMID: 17384640, 24566671). This variant is not present in population databases (gnomAD no frequency). This variant has not been reported in the literature in individuals affected with DARS2-related conditions. ClinVar contains an entry for this variant (Variation ID: 2819918). For these reasons, this variant has been classified as Pathogenic.

Literature cited by the submitters: PubMed 17384640; PubMed 24566671.